The following is an entry in ClinVar:

ClinVar aggregate classification (germline): Likely pathogenic (1 of 4 stars; one submission).

Submission:

Labcorp Genetics (formerly Invitae), Labcorp
Classification: Likely pathogenic. Last evaluated: 2018-06-08. Review status: criteria provided, single submitter. Criteria: Invitae Variant Classification Sherloc (09022015). Collection method: clinical testing. Allele origin: germline.
Comment: In summary, the currently available evidence indicates that the variant is pathogenic, but additional data are needed to prove that conclusively. Therefore, this variant has been classified as Likely Pathogenic. This variant is not present in population databases (ExAC no frequency). This variant has not been reported in the literature in individuals with VPS13D-related disease. Algorithms developed to predict the effect of sequence changes on RNA splicing suggest that this variant may disrupt the consensus splice site, but this prediction has not been confirmed by published transcriptional studies. Donor and acceptor splice site variants typically lead to a loss of protein function (PMID: 16199547), and loss-of-function variants in VPS13D are known to be pathogenic (PMID: 29518281). This sequence change affects a donor splice site in intron 51 of the VPS13D gene. It is expected to disrupt RNA splicing and likely results in an absent or disrupted protein product.

Literature cited by the submitters: PubMed 16199547; PubMed 29518281.

NM_015378.4(VPS13D):c.10272+1G>A

Gene: VPS13D (vacuolar protein sorting 13 homolog D; plus strand). Cytogenetic location: 1p36.22.
Variant type: single nucleotide variant.
Coding change: c.10272+1G>A on transcript NM_015378.4 (MANE Select); the canonical splice donor site of the intron after coding-DNA position 10272, G replaced by A.
Molecular consequence: splice donor variant.
Genome position (GRCh38, 1-based): chr1:12,362,851, G>A. VCF-style: chr1-12362851-G-A. GRCh37 (hg19) VCF-style: chr1-12422907-G-A.
Other names: c.10197+1G>A (NM_018156.4).
Identifiers: ClinVar variation 1065945 (VCV001065945.7), dbSNP rs2101615506, ClinGen allele CA338497535.